The following is an entry in ClinVar:

ClinVar aggregate classification (germline): Uncertain significance. Review status: criteria provided, multiple submitters, no conflicts (2 of 4 stars). 2 submissions from 2 submitters: Uncertain significance (2). Last evaluated 2024-11-26.

Conditions:
Niemann-Pick disease, type C1. Also called: NIEMANN-PICK DISEASE, VARIANT TYPE C1; NEUROVISCERAL STORAGE DISEASE WITH VERTICAL SUPRANUCLEAR OPHTHALMOPLEGIA; NIEMANN-PICK DISEASE WITH CHOLESTEROL ESTERIFICATION BLOCK; NIEMANN-PICK DISEASE WITHOUT SPHINGOMYELINASE DEFICIENCY; NIEMANN-PICK DISEASE, CHRONIC NEURONOPATHIC FORM. Identifiers: Orphanet 646, MedGen C3179455, MONDO:0009757, OMIM 257220.

Allele frequency attached by ClinVar (database versions not stated): gnomAD exomes below 0.00001.
gnomAD v4.1: 1 of 1,614,196 alleles (0.000062%); highest among the groups gnomAD compares: Non-Finnish European, 0.000085%; no homozygotes.

Submissions (2):

Women's Health and Genetics/Laboratory Corporation of America, LabCorp
Classification: Uncertain significance. Last evaluated: 2024-11-26. Review status: criteria provided, single submitter. Criteria: LabCorp Variant Classification Summary - May 2015. Collection method: clinical testing. Allele origin: germline.
Comment: Variant summary: NPC1 c.2090T>C (p.Val697Ala) results in a non-conservative amino acid change located in the sterol-sensing domain (IPR000731) of the encoded protein sequence. Five of five in-silico tools predict a damaging effect of the variant on protein function. The variant was absent in 251430 control chromosomes. The available data on variant occurrences in the general population are insufficient to allow any conclusion about variant significance. c.2090T>C has been reported in the literature in at least one individual affected with Niemann-Pick Disease Type C (e.g, Degtyareva_2019). These data do not allow any conclusion about variant significance. To our knowledge, no experimental evidence demonstrating an impact on protein function has been reported. The following publication has been ascertained in the context of this evaluation (PMID: 31296176). ClinVar contains an entry for this variant (Variation ID: 326266). Based on the evidence outlined above, the variant was classified as uncertain significance.

Illumina Laboratory Services, Illumina
Classification: Uncertain significance for Niemann-Pick disease type C1. Last evaluated: 2018-01-13. Review status: criteria provided, single submitter. Criteria: ICSL Variant Classification Criteria 13 December 2019. Collection method: clinical testing. Allele origin: germline.

Literature cited by the submitters: PubMed 31296176 (cited by Women's Health and Genetics/Laboratory Corporation of America, LabCorp).

NM_000271.5(NPC1):c.2090T>C (p.Val697Ala)

Gene: NPC1 (NPC intracellular cholesterol transporter 1; minus strand). Cytogenetic location: 18q11.2.
Variant type: single nucleotide variant.
Coding change: c.2090T>C on transcript NM_000271.5 (MANE Select); coding-DNA position 2090, T replaced by C.
Protein change: p.Val697Ala; replaces valine 697 with alanine.
Molecular consequence: missense variant.
Genome position (GRCh38, 1-based): chr18:23,544,384, A>G on the plus strand (T>C on the coding strand, the complement: NPC1 is on the minus strand). VCF-style: chr18-23544384-A-G. GRCh37 (hg19) VCF-style: chr18-21124348-A-G.
Other names: short protein forms V697A.
Identifiers: ClinVar variation 326266 (VCV000326266.7), dbSNP rs886053665, ClinGen allele CA10647302.